The following is an entry in ClinVar:

NM_020937.4(FANCM):c.5716+6T>C

Gene: FANCM (FA complementation group M; plus strand). Cytogenetic location: 14q21.2.
Variant type: single nucleotide variant.
Coding change: c.5716+6T>C on transcript NM_020937.4 (MANE Select); 6 bases into the intron after coding-DNA position 5716, T replaced by C.
Molecular consequence: intron variant.
Genome position (GRCh38, 1-based): chr14:45,196,553, T>C. VCF-style: chr14-45196553-T-C. GRCh37 (hg19) VCF-style: chr14-45665756-T-C.
Other names: c.5638+6T>C (NM_001308133.2).
Identifiers: ClinVar variation 2189643 (VCV002189643.4), dbSNP rs1890072167, ClinGen allele CA2133622662.

ClinVar aggregate classification (germline): Uncertain significance (1 of 4 stars; one submission).

Conditions:
Fanconi anemia (FA). Also called: Fanconi's anemia. Identifiers: Orphanet 84, MedGen C0015625, MeSH D005199, MONDO:0019391.

Allele frequency attached by ClinVar (database versions not stated): gnomAD exomes below 0.00001.
gnomAD v4.1: 1 of 1,611,684 alleles (0.000062%); no homozygotes.

Submission:

Labcorp Genetics (formerly Invitae), Labcorp
Classification: Uncertain significance for Fanconi anemia. Last evaluated: 2021-12-23. Review status: criteria provided, single submitter. Criteria: Invitae Variant Classification Sherloc (09022015). Collection method: clinical testing. Allele origin: germline.
Comment: This sequence change falls in intron 21 of the FANCM gene. It does not directly change the encoded amino acid sequence of the FANCM protein. It affects a nucleotide within the consensus splice site. This variant is not present in population databases (gnomAD no frequency). This variant has not been reported in the literature in individuals affected with FANCM-related conditions. Variants that disrupt the consensus splice site are a relatively common cause of aberrant splicing (PMID: 17576681, 9536098). Algorithms developed to predict the effect of sequence changes on RNA splicing suggest that this variant may disrupt the consensus splice site. In summary, the available evidence is currently insufficient to determine the role of this variant in disease. Therefore, it has been classified as a Variant of Uncertain Significance.

Literature cited by the submitters: PubMed 17576681; PubMed 9536098.